The following is an entry in ClinVar:

NM_000535.7(PMS2):c.24-12_107delinsAAAT

Gene: PMS2 (PMS1 homolog 2, mismatch repair system component; minus strand). Cytogenetic location: 7p22.1.
Variant type: Indel.
Coding change: c.24-12_107delinsAAAT on transcript NM_000535.7 (MANE Select); 12 bases into the intron before coding-DNA position 24 through coding-DNA position 107, the reference bases replaced by AAAT.
Molecular consequence: splice acceptor variant. On other transcripts: intron variant (3).
Genome position (GRCh38, 1-based): chr7:6,005,948-6,006,043, 96 bases replaced. GRCh37 (hg19): chr7:6,045,579-6,045,674.
Other names: c.-52-1985_-52-1890delinsAAAT (NM_001322008.2); c.-242-1985_-242-1890delinsAAAT (NM_001322010.2, NM_001322004.2); c.-377-17_-299delinsAAAT (NM_001322013.2, NM_001322003.2, NM_001322009.2); c.-856-17_-778delinsAAAT (NM_001322012.2); c.-456-17_-378delinsAAAT (NM_001322015.2); c.-192-12_-109delinsAAAT (NM_001322007.2); c.-861-12_-778delinsAAAT (NM_001322011.2); c.24-12_107delinsAAAT (NM_001322006.2, NM_001322014.2, NM_000535.6); and 2 more.
Identifiers: ClinVar variation 91341 (VCV000091341.18), dbSNP rs1554306445, ClinGen allele CA331757.

ClinVar aggregate classification (germline): Pathogenic. Review status: reviewed by expert panel (3 of 4 stars). 7 submissions from 7 submitters: Pathogenic (1). 6 of the submissions do not count toward it. Last evaluated 2013-09-05.

Conditions:
Hereditary nonpolyposis colorectal neoplasms. Identifiers: MedGen C0009405, MeSH D003123.
Lynch syndrome. Identifiers: Orphanet 144, MedGen C4552100, MONDO:0005835. Disease mechanism: loss of function.
Lynch syndrome 4 (LYNCH4). Also called: Colorectal cancer, hereditary nonpolyposis, type 4; Hereditary non-polyposis colorectal cancer, type 4. Identifiers: Orphanet 144, MedGen C1838333, MONDO:0013699, OMIM 614337. Disease mechanism: loss of function.
Hereditary cancer-predisposing syndrome. Also called: Tumor predisposition; Hereditary Cancer Syndrome; Hereditary neoplastic syndrome; Neoplastic Syndromes, Hereditary. Identifiers: Orphanet 140162, MedGen C0027672, MeSH D009386, MONDO:0015356.

Submissions (7):

International Society for Gastrointestinal Hereditary Tumours (InSiGHT)
Classification: Pathogenic for Lynch Syndrome. Last evaluated: 2013-09-05. Review status: reviewed by expert panel. Criteria: Guidelines v1.9. Collection method: research. Allele origin: germline.
Comment: Coding sequence variation resulting in a stop codon (also interrupts canonical acceptor splice site)

Classified with v1.9 guidelines

Labcorp Genetics (formerly Invitae), Labcorp
Classification: Pathogenic for Hereditary nonpolyposis colorectal neoplasms. Last evaluated: 2025-10-29. Review status: criteria provided, single submitter. Criteria: Invitae Variant Classification Sherloc (09022015). Collection method: clinical testing. Allele origin: germline. Not counted in ClinVar's aggregate classification.
Comment: This variant results in the deletion of part of exon 2 (c.24-12_107delinsAAAT) of the PMS2 gene. RNA analysis indicates that this variant induces altered splicing and may result in an absent or altered protein product. This variant is not present in population databases (gnomAD no frequency). This variant has been observed in individual(s) with clinical features of Lynch syndrome (PMID: 20186688). ClinVar contains an entry for this variant (Variation ID: 91341). Studies have shown that this variant results in skipping of exon 2, and produces a non-functional protein and/or introduces a premature termination codon (PMID: 20186688; internal data). For these reasons, this variant has been classified as Pathogenic.

Myriad Genetics, Inc.
Classification: Likely pathogenic for Lynch syndrome 4. Last evaluated: 2023-09-18. Review status: criteria provided, single submitter. Criteria: Myriad Autosomal Dominant, Autosomal Recessive and X-Linked Classification Criteria (2023). Collection method: clinical testing. Allele origin: unknown. Not counted in ClinVar's aggregate classification.
Comment: This variant is considered likely pathogenic. This variant occurs within a consensus splice junction and is predicted to result in abnormal mRNA splicing of either an out-of-frame exon or an in-frame exon necessary for protein stability and/or normal function.

Revvity Omics, Revvity
Classification: Pathogenic. Last evaluated: 2022-11-15. Review status: criteria provided, single submitter. Criteria: ACMG Guidelines, 2015. Collection method: clinical testing. Allele origin: germline. Not counted in ClinVar's aggregate classification.

Ambry Genetics
Classification: Pathogenic for Hereditary cancer-predisposing syndrome. Last evaluated: 2022-07-14. Review status: criteria provided, single submitter. Criteria: Ambry Variant Classification Scheme 2023. Collection method: clinical testing. Allele origin: germline. Not counted in ClinVar's aggregate classification.
Comment: The c.24-12_107del96insAAAT pathogenic mutation, located in intron 1 and coding exon 2 of the PMS2 gene, results from the deletion of 96 nucleotides and insertion of 4 nucleotides at positions c.24-12 to c.107. RT-PCR analysis demonstrated that this alteration results in out of frame exon skipping (van der Klift HM et al. Hum. Mutat. 2010 May;31(5):578-87). In addition, this alteration was identified in patients with colorectal cancer, as well as in two siblings with congenital mismatch repair deficiency (CMMR-D) who were positive for a second PMS2 mutation in trans (van der Klift HM et al. Hum. Mutat. 2010 May;31(5):578-87; Bougeard G et al. Fam. Cancer. 2014 Mar;13(1):131-5). In silico splice site analysis predicts that this alteration may weaken the native splice acceptor site; however, direct evidence is insufficient at this time (Ambry internal data). In addition to the clinical data presented in the literature, alterations that disrupt the canonical splice site are expected to cause aberrant splicing, resulting in an abnormal protein or a transcript that is subject to nonsense-mediated mRNA decay. As such, this alteration is classified as a disease-causing mutation.

Baylor Genetics
Classification: Pathogenic for Lynch syndrome 4. Last evaluated: 2022-04-29. Review status: criteria provided, single submitter. Criteria: ACMG Guidelines, 2015. Collection method: clinical testing. Allele origin: unknown. Not counted in ClinVar's aggregate classification.

GeneDx
Classification: Pathogenic. Last evaluated: 2022-01-24. Review status: criteria provided, single submitter. Criteria: GeneDx Variant Classification Process June 2021. Collection method: clinical testing. Allele origin: germline. Affected: yes. Not counted in ClinVar's aggregate classification.
Comment: Variant involving a canonical splice site reported to result in skipping of exon 2 leading to a null allele in a gene for which loss-of-function is a known mechanism of disease (van der Klift 2010); Observed in individuals with Lynch syndrome (van der Klift 2010, ten Broeke 2015, Suerink 2016); Not observed at significant frequency in large population cohorts (gnomAD); Truncating variants in this gene are considered pathogenic by a well-established clinical consortium and/or database; This variant is associated with the following publications: (PMID: 20186688, 25512458, 26110232)

Literature cited by the submitters: PubMed 20186688 (cited by Labcorp Genetics (formerly Invitae), Labcorp and Ambry Genetics); PubMed 24068316 (cited by Ambry Genetics).